The following is an entry in ClinVar:

NM_004104.5(FASN):c.2647C>T (p.Arg883Cys)

Gene: FASN (fatty acid synthase; minus strand). Cytogenetic location: 17q25.3.
Variant type: single nucleotide variant.
Coding change: c.2647C>T on transcript NM_004104.5 (MANE Select); coding-DNA position 2647, C replaced by T.
Protein change: p.Arg883Cys; replaces arginine 883 with cysteine.
Molecular consequence: missense variant.
Genome position (GRCh38, 1-based): chr17:82,088,254, G>A on the plus strand (C>T on the coding strand, the complement: FASN is on the minus strand). VCF-style: chr17-82088254-G-A. GRCh37 (hg19) VCF-style: chr17-80046130-G-A.
Other names: c.2647C>T (NM_004104.4); short protein forms R883C.
Identifiers: ClinVar variation 1961268 (VCV001961268.6), dbSNP rs755023451, ClinGen allele CA8852699.
Genomic context (GRCh38, chr17:82,088,254, plus strand): 5'-GGGCGCGGGCCAGCGTCTTCCACACTATGCTCAGGTAGCCAGTGGCGGGGAAGAGGACGC[G>A]ACCGTCGAGGGTGTGGTCCACCAGGTAGTGGTCAGGAGACTCGGAGCTGGTGTCTGCGGG-3'
Protein context (NP_004095.4, residues 873-893): HYLVDHTLDG[Arg883Cys]VLFPATGYLS

ClinVar aggregate classification (germline): Uncertain significance. Review status: criteria provided, multiple submitters, no conflicts (2 of 4 stars). 2 submissions from 2 submitters: Uncertain significance (2). Last evaluated 2023-09-05.

Conditions:
FASN-related disorder. Also called: FASN-related condition.
Epileptic encephalopathy. Identifiers: MedGen C0543888, HP:0200134.

Allele frequency attached by ClinVar (database versions not stated): gnomAD exomes below 0.00001; ExAC 0.00001.
gnomAD v4.1: 2 of 1,606,850 alleles (0.00012%); highest among the groups gnomAD compares: Admixed American, 0.0017%; no homozygotes.

Submissions (2):

PreventionGenetics, part of Exact Sciences
Classification: Uncertain significance for FASN-related condition. Last evaluated: 2023-09-05. Review status: criteria provided, single submitter. Criteria: ACMG Guidelines, 2015. Collection method: clinical testing. Allele origin: germline.
Comment: The FASN c.2647C>T variant is predicted to result in the amino acid substitution p.Arg883Cys. To our knowledge, this variant has not been reported in the literature. This variant is reported in 0.0029% of alleles in individuals of Latino descent in gnomAD. At this time, the clinical significance of this variant is uncertain due to the absence of conclusive functional and genetic evidence.

Labcorp Genetics (formerly Invitae), Labcorp
Classification: Uncertain significance for Epileptic encephalopathy. Last evaluated: 2022-09-23. Review status: criteria provided, single submitter. Criteria: Invitae Variant Classification Sherloc (09022015). Collection method: clinical testing. Allele origin: germline.
Comment: In summary, the available evidence is currently insufficient to determine the role of this variant in disease. Therefore, it has been classified as a Variant of Uncertain Significance. Algorithms developed to predict the effect of missense changes on protein structure and function are either unavailable or do not agree on the potential impact of this missense change (SIFT: "Deleterious"; PolyPhen-2: "Probably Damaging"; Align-GVGD: "Class C0"). This variant has not been reported in the literature in individuals affected with FASN-related conditions. This variant is present in population databases (rs755023451, gnomAD 0.003%). This sequence change replaces arginine, which is basic and polar, with cysteine, which is neutral and slightly polar, at codon 883 of the FASN protein (p.Arg883Cys).